The following is an entry in ClinVar:

NM_170741.4(KCNJ16):c.-190-164A>G

Gene: KCNJ16 (potassium inwardly rectifying channel subfamily J member 16; plus strand). Cytogenetic location: 17q24.3.
Variant type: single nucleotide variant.
Coding change: c.-190-164A>G on transcript NM_170741.4 (MANE Select); 164 bases into the intron before 190 bases upstream of the start codon, A replaced by G.
Molecular consequence: intron variant.
Genome position (GRCh38, 1-based): chr17:70,130,715, A>G. VCF-style: chr17-70130715-A-G. GRCh37 (hg19) VCF-style: chr17-68126856-A-G.
Other names: c.-190-164A>G (NM_001291622.3, NM_018658.4, NM_170742.3 and 1 more transcripts); c.-318-164A>G (NM_001270422.2, NM_001291625.1, NM_001291624.1).
Identifiers: ClinVar variation 1706680 (VCV001706680.2), dbSNP rs150524296, ClinGen allele CA293697954.

ClinVar aggregate classification (germline): Likely benign (1 of 4 stars; one submission).

Allele frequency attached by ClinVar (database versions not stated): 1000 Genomes Project 0.00539; 1000 Genomes Project 30x 0.00578; gnomAD 0.01050; TOPMed 0.01211.
gnomAD v4.1: 1,618 of 152,332 alleles (1.1%); highest among the groups gnomAD compares: Middle Eastern, 2.7%; 7 homozygotes.

Submission:

GeneDx
Classification: Likely benign. Last evaluated: 2020-11-25. Review status: criteria provided, single submitter. Criteria: GeneDx Variant Classification Process June 2021. Collection method: clinical testing. Allele origin: germline. Affected: yes.
Comment: See Variant Classification Assertion Criteria.